The following is an entry in ClinVar:

NM_001379659.1(ZNF142):c.2286T>C (p.His762=)

Gene: ZNF142 (zinc finger protein 142; minus strand). Cytogenetic location: 2q35.
Variant type: single nucleotide variant.
Coding change: c.2286T>C on transcript NM_001379659.1 (MANE Select); coding-DNA position 2286, T replaced by C.
Protein change: p.His762=; no amino-acid change (histidine 762 retained).
Molecular consequence: synonymous variant.
Genome position (GRCh38, 1-based): chr2:218,644,830, A>G on the plus strand (T>C on the coding strand, the complement: ZNF142 is on the minus strand). VCF-style: chr2-218644830-A-G. GRCh37 (hg19) VCF-style: chr2-219509553-A-G.
Other names: c.1197T>C, p.His399= (NM_001366289.3, NM_001366287.3, NM_001366288.3); c.2286T>C, p.His762= (NM_001366290.3, NM_001379660.1, NM_001379661.1); c.1686T>C, p.His562= (NM_001366291.3, NM_001379662.1, NM_001105537.5).
Identifiers: ClinVar variation 3239314 (VCV003239314.19), dbSNP rs749921603.
Genomic context (GRCh38, chr2:218,644,830, plus strand): 5'-GGTGCGGTAGTCACAGAGGGCACAGTGGAACTCACGGAGGCGGGTATGCTTGCAGTTCTC[A>G]TGGCTCAGCACAGCCTGCTTGTGGCGGCTCTGGTAACTGCAGTAGTGGCAAGGGTAGAGT-3'
Protein context (NP_001366588.1, residues 752-772): QSRHKQAVLS[His762=]ENCKHTRLRE

ClinVar aggregate classification (germline): Likely benign (1 of 4 stars; one submission).

Allele frequency attached by ClinVar (database versions not stated): TOPMed below 0.00001; gnomAD 0.00001; gnomAD exomes 0.00001; ExAC 0.00002.
gnomAD v4.1: 12 of 1,614,080 alleles (0.00074%); highest among the groups gnomAD compares: Middle Eastern, 0.016%; no homozygotes.

Submission:

CeGaT Center for Human Genetics Tuebingen
Classification: Likely benign. Last evaluated: 2024-05-01. Review status: criteria provided, single submitter. Criteria: CeGaT Center For Human Genetics Tuebingen Variant Classification Criteria Version 2. Collection method: clinical testing. Allele origin: germline. Affected: yes. Observed: 1 variant allele.
Comment: ZNF142: BP4, BP7